The following is an entry in ClinVar:

ClinVar aggregate classification (germline): Uncertain significance (1 of 4 stars; one submission).

Allele frequency attached by ClinVar (database versions not stated): ExAC 0.00001; gnomAD 0.00001; gnomAD exomes 0.00001; TOPMed 0.00001.
gnomAD v4.1: 14 of 1,612,968 alleles (0.00087%); highest among the groups gnomAD compares: Admixed American, 0.0017%; no homozygotes.

Submission:

Labcorp Genetics (formerly Invitae), Labcorp
Classification: Uncertain significance. Last evaluated: 2022-08-20. Review status: criteria provided, single submitter. Criteria: Invitae Variant Classification Sherloc (09022015). Collection method: clinical testing. Allele origin: germline.
Comment: In summary, the available evidence is currently insufficient to determine the role of this variant in disease. Therefore, it has been classified as a Variant of Uncertain Significance. Algorithms developed to predict the effect of missense changes on protein structure and function are either unavailable or do not agree on the potential impact of this missense change (SIFT: "Deleterious"; PolyPhen-2: "Probably Damaging"; Align-GVGD: "Class C0"). This variant has not been reported in the literature in individuals affected with AEBP1-related conditions. The frequency data for this variant in the population databases is considered unreliable, as metrics indicate poor data quality at this position in the gnomAD database. This sequence change replaces arginine, which is basic and polar, with cysteine, which is neutral and slightly polar, at codon 394 of the AEBP1 protein (p.Arg394Cys).

NM_001129.5(AEBP1):c.1180C>T (p.Arg394Cys)

Gene: AEBP1 (AE binding protein 1; plus strand). Cytogenetic location: 7p13.
Variant type: single nucleotide variant.
Coding change: c.1180C>T on transcript NM_001129.5 (MANE Select); coding-DNA position 1180, C replaced by T.
Protein change: p.Arg394Cys; replaces arginine 394 with cysteine.
Molecular consequence: missense variant.
Genome position (GRCh38, 1-based): chr7:44,110,044, C>T. VCF-style: chr7-44110044-C-T. GRCh37 (hg19) VCF-style: chr7-44149643-C-T.
Other names: short protein forms R394C.
Identifiers: ClinVar variation 1953217 (VCV001953217.3), dbSNP rs754319273, ClinGen allele CA4237803.
Genomic context (GRCh38, chr7:44,110,044, plus strand): 5'-TGAGCCACCATTCTGGGGTACGCGTCCTCAGAGTGTCCCCCCATTGGGATGGAGTCACAC[C>T]GTATTGAGGACAACCAGATCCGAGCCTCCTCCATGCTGCGCCACGGCCTGGGGGCACAGC-3'
Protein context (NP_001120.3, residues 384-404): KCPPIGMESH[Arg394Cys]IEDNQIRASS